The following is an entry in ClinVar:

NM_138713.4(NFAT5):c.3892G>T (p.Ala1298Ser)

Gene: NFAT5 (nuclear factor of activated T cells 5; plus strand). Cytogenetic location: 16q22.1.
Variant type: single nucleotide variant.
Coding change: c.3892G>T on transcript NM_138713.4 (MANE Select); coding-DNA position 3892, G replaced by T.
Protein change: p.Ala1298Ser; replaces alanine 1298 with serine.
Molecular consequence: missense variant.
Genome position (GRCh38, 1-based): chr16:69,693,717, G>T. VCF-style: chr16-69693717-G-T. GRCh37 (hg19) VCF-style: chr16-69727620-G-T.
Other names: c.3889G>T, p.Ala1297Ser (NM_001113178.3); c.3217G>T, p.Ala1073Ser (NM_001367709.1); c.3838G>T, p.Ala1280Ser (NM_006599.4); c.3610G>T, p.Ala1204Ser (NM_138714.4, NM_173214.3, NM_173215.3); short protein forms A1073S, A1204S, A1298S, A1280S, A1297S.
Identifiers: ClinVar variation 860244 (VCV000860244.7), dbSNP rs771597579, ClinGen allele CA8135976.

ClinVar aggregate classification (germline): Uncertain significance (1 of 4 stars; one submission).

Conditions:
Immunodeficiency. Identifiers: MedGen C0021051, MONDO:0021094, HP:0002721.

Allele frequency attached by ClinVar (database versions not stated): gnomAD 0.00002 and 0.00003; TOPMed 0.00004; gnomAD exomes 0.00005; ExAC 0.00007.
gnomAD v4.1: 78 of 1,614,066 alleles (0.0048%); highest among the groups gnomAD compares: Non-Finnish European, 0.0064%; no homozygotes.

Submission:

Labcorp Genetics (formerly Invitae), Labcorp
Classification: Uncertain significance for Immunodeficiency. Last evaluated: 2026-01-17. Review status: criteria provided, single submitter. Criteria: Invitae Variant Classification Sherloc (09022015). Collection method: clinical testing. Allele origin: germline.
Comment: This sequence change replaces alanine, which is neutral and non-polar, with serine, which is neutral and polar, at codon 1204 of the NFAT5 protein (p.Ala1204Ser). This variant is present in population databases (rs771597579, gnomAD 0.01%). This variant has not been reported in the literature in individuals affected with NFAT5-related conditions. ClinVar contains an entry for this variant (Variation ID: 860244). An algorithm developed to predict the effect of missense changes on protein structure and function (PolyPhen-2) suggests that this variant is likely to be tolerated. In summary, the available evidence is currently insufficient to determine the role of this variant in disease. Therefore, it has been classified as a Variant of Uncertain Significance.